The following is an entry in ClinVar:

ClinVar aggregate classification (germline): Uncertain significance (1 of 4 stars; one submission).

Conditions:
Spastic paraplegia. Identifiers: MedGen C0037772, HP:0001258.

Allele frequency attached by ClinVar (database versions not stated): gnomAD 0.00001; TOPMed 0.00001.
gnomAD v4.1: 10 of 1,614,060 alleles (0.00062%); highest among the groups gnomAD compares: African/African-American, 0.0013%; no homozygotes.

Submission:

Labcorp Genetics (formerly Invitae), Labcorp
Classification: Uncertain significance for Spastic paraplegia. Last evaluated: 2021-12-11. Review status: criteria provided, single submitter. Criteria: Invitae Variant Classification Sherloc (09022015). Collection method: clinical testing. Allele origin: germline.
Comment: This variant has not been reported in the literature in individuals affected with VAMP1-related conditions. Algorithms developed to predict the effect of missense changes on protein structure and function are either unavailable or do not agree on the potential impact of this missense change (SIFT: "Deleterious"; PolyPhen-2: "Benign"; Align-GVGD: "Class C0"). In summary, the available evidence is currently insufficient to determine the role of this variant in disease. Therefore, it has been classified as a Variant of Uncertain Significance. This variant is present in population databases (no rsID available, gnomAD 0.3%). This sequence change replaces arginine, which is basic and polar, with glutamine, which is neutral and polar, at codon 33 of the VAMP1 protein (p.Arg33Gln).

NM_014231.5(VAMP1):c.98G>A (p.Arg33Gln)

Genes: TAPBPL (TAP binding protein like; plus strand), VAMP1 (vesicle associated membrane protein 1; minus strand). Cytogenetic location: 12p13.31.
Variant type: single nucleotide variant.
Coding change: c.98G>A on transcript NM_014231.5 (MANE Select); coding-DNA position 98, G replaced by A.
Protein change: p.Arg33Gln; replaces arginine 33 with glutamine.
Molecular consequence: missense variant.
Genome position (GRCh38, 1-based): chr12:6,466,256, C>T on the plus strand (G>A on the coding strand, the complement: VAMP1 is on the minus strand). VCF-style: chr12-6466256-C-T. GRCh37 (hg19) VCF-style: chr12-6575422-C-T.
Other names: c.98G>A, p.Arg33Gln (NM_001297438.2, NM_016830.4, NM_199245.3); short protein forms R33Q.
Identifiers: ClinVar variation 1396505 (VCV001396505.6), dbSNP rs1256770289, ClinGen allele CA383559472.
Genomic context (GRCh38, chr12:6,466,256, plus strand): 5'-AACTTTCAGAGAAACAGCTATCTACCTACCTCCTCCACTTGTGCCTGGGTTTGCTGTAGT[C>T]GTCTGTTACTGGTCATGTTAGGAGGAGGGCCAGGGGGACCCCCACCTGGGGCAGTCCCTT-3'
Protein context (NP_055046.1, residues 23-43): GPPPNMTSNR[Arg33Gln]LQQTQAQVEE